The following is an entry in ClinVar:

ClinVar aggregate classification (germline): Benign/Likely benign. Review status: criteria provided, multiple submitters, no conflicts (2 of 4 stars). 2 submissions from 2 submitters: Benign (1); Likely benign (1). Last evaluated 2026-01-14.

Conditions:
Dilated cardiomyopathy 1G (CMD1G). Identifiers: Orphanet 154, MedGen C1858763, MONDO:0011400, OMIM 604145.
Autosomal recessive limb-girdle muscular dystrophy type 2J (LGMDR10). Also called: Limb-girdle muscular dystrophy, type 2J; MUSCULAR DYSTROPHY, LIMB-GIRDLE, AUTOSOMAL RECESSIVE 10. Identifiers: Orphanet 140922, MedGen C1837342, MONDO:0012127, OMIM 608807.

Submissions (2):

Labcorp Genetics (formerly Invitae), Labcorp
Classification: Benign for Dilated cardiomyopathy 1G; Autosomal recessive limb-girdle muscular dystrophy type 2J. Last evaluated: 2026-01-14. Review status: criteria provided, single submitter. Criteria: Invitae Variant Classification Sherloc (09022015). Collection method: clinical testing. Allele origin: germline.

Women's Health and Genetics/Laboratory Corporation of America, LabCorp
Classification: Likely benign. Last evaluated: 2024-12-20. Review status: criteria provided, single submitter. Criteria: LabCorp Variant Classification Summary - May 2015. Collection method: clinical testing. Allele origin: germline.
Comment: Variant summary: TTN c.9472-20_9472-19dupTT alters a non-conserved nucleotide located at a position not widely known to affect splicing. Consensus agreement among computation tools predict no significant impact on normal splicing. However, these predictions have yet to be confirmed by functional studies. The variant allele was found at a frequency of 4.1e-06 in 244338 control chromosomes (gnomAD). The available data on variant occurrences in the general population are insufficient to allow any conclusion about variant significance. To our knowledge, no occurrence of c.9472-20_9472-19dupTT in individuals affected with Dilated Cardiomyopathy and no experimental evidence demonstrating its impact on protein function have been reported. ClinVar contains an entry for this variant (Variation ID: 1601504). Based on the evidence outlined above, the variant was classified as likely benign.

NM_001267550.2(TTN):c.9472-20_9472-19dup

Gene: TTN (titin; minus strand). Cytogenetic location: 2q31.2.
Variant type: Duplication.
Coding change: c.9472-20_9472-19dup on transcript NM_001267550.2 (MANE Select); 20 bases into the intron before coding-DNA position 9472 through 19 bases into the intron before coding-DNA position 9472, 2 bases duplicated (TT; older notation c.9472-20_9472-19dupTT).
Molecular consequence: intron variant.
Genome position (GRCh38, 1-based): chr2:178,766,631-178,766,632, AA duplicated on the plus strand (TT on the coding strand, the reverse complement: TTN is on the minus strand); duplicating any 2 consecutive bases within chr2:178,766,631-178,766,637 gives the same sequence; the c. name uses the placement nearest the transcript's 3' end. VCF-style (leftmost placement, unchanged base first): chr2-178766630-T-TAA. GRCh37 (hg19) VCF-style: chr2-179631357-T-TAA.
Other names: c.9334-20_9334-19dup (NM_003319.4, NM_133437.4, NM_133432.3); c.9472-20_9472-19dup (NM_133378.4, NM_001256850.1, NM_133379.5); c.9472-20_9472-19dupTT (NM_133378.4).
Identifiers: ClinVar variation 1601504 (VCV001601504.9), dbSNP rs201990196, ClinGen allele CA538438133.
Genomic context (GRCh38, chr2:178,766,630, plus strand): 5'-CATTGACCTCAAATTCAACAACAGCACGCTGTTTCTCAATGACCTGTTGATGGAACAACA[T>TAA]AAAAAAACAACAACAACAACAAAAACTTGAAGCTCTGGTTTCCTCCCAGTTAATCAATTT-3'